The following is an entry in ClinVar:

ClinVar aggregate classification (germline): Uncertain significance. Review status: criteria provided, multiple submitters, no conflicts (2 of 4 stars). 3 submissions from 3 submitters: Uncertain significance (3). Last evaluated 2024-11-10.

Conditions:
Inborn genetic diseases. Identifiers: MedGen C0950123, MeSH D030342.
Macrothrombocytopenia and granulocyte inclusions with or without nephritis or sensorineural hearing loss (MATINS). Also called: BLEEDING DISORDER, PLATELET-TYPE, 6; MAY-HEGGLIN ANOMALY; DOHLE LEUKOCYTE INCLUSIONS WITH GIANT PLATELETS; MACROTHROMBOCYTOPENIA WITH LEUKOCYTE INCLUSIONS; SEBASTIAN PLATELET SYNDROME; MACROTHROMBOCYTOPENIA WITH DISPERSED LEUKOCYTIC INCLUSIONS. Identifiers: Orphanet 182050, MedGen C5200934, MONDO:0015912, OMIM 155100.

gnomAD v4.1: 3 of 1,613,864 alleles (0.00019%); highest among the groups gnomAD compares: South Asian, 0.0022%; no homozygotes.

Submissions (3):

Ambry Genetics
Classification: Uncertain significance for Inborn genetic diseases. Last evaluated: 2024-11-10. Review status: criteria provided, single submitter. Criteria: Ambry Variant Classification Scheme 2023. Collection method: clinical testing. Allele origin: germline.

Pittsburgh Clinical Genomics Laboratory, University of Pittsburgh Medical Center
Classification: Uncertain significance for Macrothrombocytopenia and granulocyte inclusions with or without nephritis or sensorineural hearing loss. Last evaluated: 2024-05-29. Review status: criteria provided, single submitter. Criteria: ACMG Guidelines, 2015. Collection method: clinical testing. Allele origin: germline. Inheritance: Autosomal dominant inheritance. Affected: yes.
Comment: This sequence variant is a single nucleotide substitution (A>G) at position 1879 of the coding sequence of the MYH9 gene that results in a methionine to valine amino acid change at residue 627 of the myosin heavy chain 9 protein. The 627 residue falls in the ATPase domain (PMID: 29679756). This variant is absent from ClinVar and, to our knowledge, this variant has not been observed in an individual affected by a MYH9-related disorder in the published literature. This variant is present in 3 of 1,613,864 alleles (0.0002%) in the gnomAD v4.1.0 population dataset. Multiple bioinformatic tools provide conflicting predictions concerning this amino acid change though the Met627 residue at this position is highly conserved across the vertebrate species examined. Studies examining the functional consequence of this variant have not been published to our knowledge. At this time, there is insufficient evidence to determine if this variant is pathogenic or benign. Therefore, we consider this a variant of uncertain significance. ACMG Criteria: PM2

Blueprint Genetics
Classification: Uncertain significance. Last evaluated: 2020-10-06. Review status: criteria provided, single submitter. Criteria: ACMG Guidelines, 2015. Collection method: clinical testing. Allele origin: germline.

Literature cited by the submitters: PubMed 29679756 (cited by Pittsburgh Clinical Genomics Laboratory, University of Pittsburgh Medical Center).

NM_002473.6(MYH9):c.1879A>G (p.Met627Val)

Gene: MYH9 (myosin heavy chain 9; minus strand). Cytogenetic location: 22q12.3.
Variant type: single nucleotide variant.
Coding change: c.1879A>G on transcript NM_002473.6 (MANE Select); coding-DNA position 1879, A replaced by G.
Protein change: p.Met627Val; replaces methionine 627 with valine.
Molecular consequence: missense variant.
Genome position (GRCh38, 1-based): chr22:36,306,572, T>C on the plus strand (A>G on the coding strand, the complement: MYH9 is on the minus strand). VCF-style: chr22-36306572-T-C. GRCh37 (hg19) VCF-style: chr22-36702618-T-C.
Other names: c.1879A>G (NM_002473.4); short protein forms M627V.
Identifiers: ClinVar variation 3376422 (VCV003376422.3).
Genomic context (GRCh38, chr22:36,306,572, plus strand): 5'-CCACAGTGCGGAACATGCCCTTCCGCGTCTTGAAGGCCCCGGGCAGTGCGGTCTCCGACA[T>C]GCCGGCCACCTGGTCCAGGCCGATGATGCGGTCCACTGTGGAGACCACAGAGAACACGTG-3'
Protein context (NP_002464.1, residues 617-637): RIIGLDQVAG[Met627Val]SETALPGAFK